The following is an entry in ClinVar:

NM_000059.4(BRCA2):c.8669dup (p.Thr2891fs)

Gene: BRCA2 (BRCA2 DNA repair associated; plus strand). Cytogenetic location: 13q13.1.
Variant type: Duplication.
Coding change: c.8669dup on transcript NM_000059.4 (MANE Select); coding-DNA position 8669, one base duplicated (T; older notation c.8669dupT).
Protein change: p.Thr2891fs; shifts the reading frame from threonine 2891.
Molecular consequence: frameshift variant.
Genome position (GRCh38, 1-based): chr13:32,376,706, T duplicated. VCF-style (leftmost placement, unchanged base first): chr13-32376705-C-CT. GRCh37 (hg19) VCF-style: chr13-32950842-C-CT.
Other names: 8897insT; c.8669dupT (NM_000059.3); short protein forms T2891fs.
Identifiers: ClinVar variation 267103 (VCV000267103.6), dbSNP rs886040788, ClinGen allele CA10589513.

ClinVar aggregate classification (germline): Pathogenic. Review status: reviewed by expert panel (3 of 4 stars). 2 submissions from 2 submitters: Pathogenic (1). 1 of the submissions does not count toward it. Last evaluated 2016-10-18.

Conditions:
Breast-ovarian cancer, familial, susceptibility to, 2 (BROVCA2). Also called: BRCA2 Hereditary Breast and Ovarian Cancer. Identifiers: Orphanet 145, MedGen C2675520, MONDO:0012933, OMIM 612555. Disease mechanism: loss of function.
Hereditary cancer-predisposing syndrome. Also called: Hereditary neoplastic syndrome; Neoplastic Syndromes, Hereditary; Tumor predisposition; Hereditary Cancer Syndrome. Identifiers: Orphanet 140162, MedGen C0027672, MeSH D009386, MONDO:0015356.

Submissions (2):

Evidence-based Network for the Interpretation of Germline Mutant Alleles (ENIGMA)
Classification: Pathogenic for Breast-ovarian cancer, familial, susceptibility to, 2. Last evaluated: 2016-10-18. Review status: reviewed by expert panel. Criteria: ENIGMA BRCA1/2 Classification Criteria (2015). Collection method: curation. Allele origin: germline.
Comment: Variant allele predicted to encode a truncated non-functional protein.

Ambry Genetics
Classification: Pathogenic for Hereditary cancer-predisposing syndrome. Last evaluated: 2025-05-13. Review status: criteria provided, single submitter. Criteria: Ambry Variant Classification Scheme 2023. Collection method: clinical testing. Allele origin: germline. Not counted in ClinVar's aggregate classification.
Comment: The c.8669dupT pathogenic mutation, located in coding exon 20 of the BRCA2 gene, results from a duplication of T at nucleotide position 8669, causing a translational frameshift with a predicted alternate stop codon (p.T2891Nfs*16). This variant is considered to be rare based on population cohorts in the Genome Aggregation Database (gnomAD). This alteration is expected to result in loss of function by premature protein truncation or nonsense-mediated mRNA decay. As such, this alteration is interpreted as a disease-causing mutation.